The following is an entry in ClinVar:

NM_006302.3(MOGS):c.436T>G (p.Tyr146Asp)

Gene: MOGS (mannosyl-oligosaccharide glucosidase; minus strand). Cytogenetic location: 2p13.1.
Variant type: single nucleotide variant.
Coding change: c.436T>G on transcript NM_006302.3 (MANE Select); coding-DNA position 436, T replaced by G.
Protein change: p.Tyr146Asp; replaces tyrosine 146 with aspartic acid.
Molecular consequence: missense variant.
Genome position (GRCh38, 1-based): chr2:74,464,639, A>C on the plus strand (T>G on the coding strand, the complement: MOGS is on the minus strand). VCF-style: chr2-74464639-A-C. GRCh37 (hg19) VCF-style: chr2-74691766-A-C.
Other names: c.436T>G, p.Tyr146Asp (LRG_1226t1); c.118T>G, p.Tyr40Asp (NM_001146158.2); short protein forms Y146D, Y40D.
Identifiers: ClinVar variation 465842 (VCV000465842.9), dbSNP rs576166441, ClinGen allele CA1725027.
Genomic context (GRCh38, chr2:74,464,639, plus strand): 5'-AGGCCCCATCCTGGATGTGTTGGCGCCCGAAGGAGAGGCCGTCGTGGAACTCCCAGCCAT[A>C]GGGACCCACACCGTCCCCCTGCTCACACGTGTGCCTGAGCTTAGGAGTCCCCGGGGTGGT-3'
Protein context (NP_006293.2, residues 136-156): TCEQGDGVGP[Tyr146Asp]GWEFHDGLSF

ClinVar aggregate classification (germline): Uncertain significance. Review status: criteria provided, multiple submitters, no conflicts (2 of 4 stars). 2 submissions from 2 submitters: Uncertain significance (2). Last evaluated 2023-10-13.

Conditions:
Inborn genetic diseases. Identifiers: MedGen C0950123, MeSH D030342.
MOGS-congenital disorder of glycosylation. Also called: CDG IIb; GLUCOSIDASE I DEFICIENCY; CDG 2B; MOGS-CDG. Identifiers: Orphanet 79330, MedGen C1853736, MONDO:0011629, OMIM 606056.

Allele frequency attached by ClinVar (database versions not stated): TOPMed 0.00002; ExAC 0.00003; gnomAD 0.00003; gnomAD exomes 0.00003 and 0.00005.

Submissions (2):

Labcorp Genetics (formerly Invitae), Labcorp
Classification: Uncertain significance for MOGS-congenital disorder of glycosylation. Last evaluated: 2023-10-13. Review status: criteria provided, single submitter. Criteria: Invitae Variant Classification Sherloc (09022015). Collection method: clinical testing. Allele origin: germline.
Comment: This sequence change replaces tyrosine, which is neutral and polar, with aspartic acid, which is acidic and polar, at codon 146 of the MOGS protein (p.Tyr146Asp). This variant is present in population databases (rs576166441, gnomAD 0.006%). This variant has not been reported in the literature in individuals affected with MOGS-related conditions. ClinVar contains an entry for this variant (Variation ID: 465842). Advanced modeling of protein sequence and biophysical properties (such as structural, functional, and spatial information, amino acid conservation, physicochemical variation, residue mobility, and thermodynamic stability) performed at Invitae indicates that this missense variant is expected to disrupt MOGS protein function. In summary, the available evidence is currently insufficient to determine the role of this variant in disease. Therefore, it has been classified as a Variant of Uncertain Significance.

Ambry Genetics
Classification: Uncertain significance for Inborn genetic diseases. Last evaluated: 2023-07-19. Review status: criteria provided, single submitter. Criteria: Ambry Variant Classification Scheme 2023. Collection method: clinical testing. Allele origin: germline.